The following is an entry in ClinVar:

NM_000393.5(COL5A2):c.1634G>A (p.Arg545Gln)

Gene: COL5A2 (collagen type V alpha 2 chain; minus strand). Cytogenetic location: 2q32.2.
Variant type: single nucleotide variant.
Coding change: c.1634G>A on transcript NM_000393.5 (MANE Select); coding-DNA position 1634, G replaced by A.
Protein change: p.Arg545Gln; replaces arginine 545 with glutamine.
Molecular consequence: missense variant.
Genome position (GRCh38, 1-based): chr2:189,064,639, C>T on the plus strand (G>A on the coding strand, the complement: COL5A2 is on the minus strand). VCF-style: chr2-189064639-C-T. GRCh37 (hg19) VCF-style: chr2-189929365-C-T.
Other names: p.Arg545Gln; short protein forms R545Q.
Identifiers: ClinVar variation 2682807 (VCV002682807.3), dbSNP rs757405120, ClinGen allele CA2022626.
Genomic context (GRCh38, chr2:189,064,639, plus strand): 5'-TCCCCTGGACGTCCTGGATCCCCCTGGCTTCCTTTGGGTCCTGAAGAACCTACAGGACCC[C>T]GTTCTCCTTGAGCACCCTGTACCGAGGCAAAGCAGATGCATGAAGAAAAAGAGTATAGAA-3'
Protein context (NP_000384.2, residues 535-555): LPGPKGAQGE[Arg545Gln]GPVGSSGPKG

ClinVar aggregate classification (germline): Uncertain significance. Review status: criteria provided, multiple submitters, no conflicts (2 of 4 stars). 2 submissions from 2 submitters: Uncertain significance (2). Last evaluated 2025-04-21.

Conditions:
Ehlers-Danlos syndrome, classic type, 1 (EDSCL1). Also called: EHLERS-DANLOS SYNDROME, GRAVIS TYPE; EHLERS-DANLOS SYNDROME, SEVERE CLASSIC TYPE; Ehlers-Danlos syndrome, type 1; Ehlers-Danlos Syndrome, Classic Type, COL5A1-Related; EDS I. Identifiers: MedGen C0268335, MONDO:0019567, OMIM 130000.

Allele frequency attached by ClinVar (database versions not stated): gnomAD exomes below 0.00001; TOPMed 0.00001; ExAC 0.00001.
gnomAD v4.1: 6 of 1,613,474 alleles (0.00037%); highest among the groups gnomAD compares: South Asian, 0.0044%; no homozygotes.

Submissions (2):

Labcorp Genetics (formerly Invitae), Labcorp
Classification: Uncertain significance for Ehlers-Danlos syndrome, classic type, 1. Last evaluated: 2025-04-21. Review status: criteria provided, single submitter. Criteria: Invitae Variant Classification Sherloc (09022015). Collection method: clinical testing. Allele origin: germline.
Comment: This sequence change replaces arginine, which is basic and polar, with glutamine, which is neutral and polar, at codon 545 of the COL5A2 protein (p.Arg545Gln). This variant is present in population databases (rs757405120, gnomAD 0.006%). This variant has not been reported in the literature in individuals affected with COL5A2-related conditions. ClinVar contains an entry for this variant (Variation ID: 2682807). Invitae Evidence Modeling of protein sequence and biophysical properties (such as structural, functional, and spatial information, amino acid conservation, physicochemical variation, residue mobility, and thermodynamic stability) indicates that this missense variant is not expected to disrupt COL5A2 protein function with a negative predictive value of 80%. In summary, the available evidence is currently insufficient to determine the role of this variant in disease. Therefore, it has been classified as a Variant of Uncertain Significance.

Mayo Clinic Laboratories, Mayo Clinic
Classification: Uncertain significance. Last evaluated: 2022-04-06. Review status: criteria provided, single submitter. Criteria: ACMG Guidelines, 2015. Collection method: clinical testing. Allele origin: germline. Observed: 1 variant allele.